The following is an entry in ClinVar:

ClinVar aggregate classification (germline): Pathogenic (1 of 4 stars; one submission).

Conditions:
Muscular dystrophy-dystroglycanopathy (congenital with brain and eye anomalies), type a, 8 (MDDGA8). Also called: WALKER-WARBURG SYNDROME OR MUSCLE-EYE-BRAIN DISEASE, GTDC2-RELATED. Identifiers: Orphanet 899, MedGen C3553813, MONDO:0013904, OMIM 614830.

Submission:

Labcorp Genetics (formerly Invitae), Labcorp
Classification: Pathogenic for Muscular dystrophy-dystroglycanopathy (congenital with brain and eye anomalies), type a, 8. Last evaluated: 2021-12-11. Review status: criteria provided, single submitter. Criteria: Invitae Variant Classification Sherloc (09022015). Collection method: clinical testing. Allele origin: germline.
Comment: This sequence change creates a premature translational stop signal (p.Gln128Valfs*42) in the POMGNT2 gene. While this is not anticipated to result in nonsense mediated decay, it is expected to disrupt the last 453 amino acid(s) of the POMGNT2 protein. This variant is not present in population databases (gnomAD no frequency). This variant has not been reported in the literature in individuals affected with POMGNT2-related conditions. This variant disrupts a region of the POMGNT2 protein in which other variant(s) (p.Gln348*) have been determined to be pathogenic (Invitae). This suggests that this is a clinically significant region of the protein, and that variants that disrupt it are likely to be disease-causing. For these reasons, this variant has been classified as Pathogenic.

NM_032806.6(POMGNT2):c.381_382del (p.Gln128fs)

Gene: POMGNT2 (protein O-linked mannose N-acetylglucosaminyltransferase 2 (beta 1,4-); minus strand). Cytogenetic location: 3p22.1.
Variant type: Deletion.
Coding change: c.381_382del on transcript NM_032806.6 (MANE Select); coding-DNA positions 381 to 382, 2 bases deleted (TC; older notation c.381_382delTC).
Protein change: p.Gln128fs; shifts the reading frame from glutamine 128.
Molecular consequence: frameshift variant.
Genome position (GRCh38, 1-based): chr3:43,081,050-43,081,051, GA deleted on the plus strand (TC on the coding strand, the reverse complement: POMGNT2 is on the minus strand); deleting any 2 consecutive bases within chr3:43,081,050-43,081,052 gives the same sequence; the c. name uses the placement nearest the transcript's 3' end. VCF-style (leftmost placement, unchanged base first): chr3-43081049-TGA-T. GRCh37 (hg19) VCF-style: chr3-43122541-TGA-T.
Other names: short protein forms Q128fs.
Identifiers: ClinVar variation 2058172 (VCV002058172.4), dbSNP rs2528899846, ClinGen allele CA2580069853.